The following is an entry in ClinVar:

NM_022748.12(TNS3):c.1638C>T (p.Asp546=)

Gene: TNS3 (tensin 3; minus strand). Cytogenetic location: 7p12.3.
Variant type: single nucleotide variant.
Coding change: c.1638C>T on transcript NM_022748.12 (MANE Select); coding-DNA position 1638, C replaced by T.
Protein change: p.Asp546=; no amino-acid change (aspartic acid 546 retained).
Molecular consequence: synonymous variant.
Genome position (GRCh38, 1-based): chr7:47,369,008, G>A on the plus strand (C>T on the coding strand, the complement: TNS3 is on the minus strand). VCF-style: chr7-47369008-G-A. GRCh37 (hg19) VCF-style: chr7-47408605-G-A.
Other names: c.1980C>T, p.Asp660= (NM_001410877.1); c.1947C>T, p.Asp649= (NM_001410878.1).
Identifiers: ClinVar variation 2657454 (VCV002657454.24), dbSNP rs375420968, ClinGen allele CA4250855.
Genomic context (GRCh38, chr7:47,369,008, plus strand): 5'-CAGGGGCTGGGGCTGCTTGGGCTCTCGACTCCCAAAAGTCCGCTCCCGCTCATAGGGGCC[G>A]TCCATGCCAAGGCCCAGGTCCGGAACGAGGGTGCCCTGCGGATCTTCACCAACGTTGCTG-3'
Protein context (NP_073585.8, residues 536-556): TLVPDLGLGM[Asp546=]GPYERERTFG

ClinVar aggregate classification (germline): Likely benign (1 of 4 stars; one submission).

Allele frequency attached by ClinVar (database versions not stated): gnomAD exomes 0.00005; TOPMed 0.00005; ExAC 0.00007; gnomAD 0.00008; 1000 Genomes Project 30x 0.00016; ESP Exome Variant Server 0.00016; 1000 Genomes Project 0.00020.
gnomAD v4.1: 86 of 1,614,014 alleles (0.0053%); highest among the groups gnomAD compares: South Asian, 0.0055%; no homozygotes.

Submission:

CeGaT Center for Human Genetics Tuebingen
Classification: Likely benign. Last evaluated: 2022-06-01. Review status: criteria provided, single submitter. Criteria: CeGaT Center For Human Genetics Tuebingen Variant Classification Criteria Version 2. Collection method: clinical testing. Allele origin: germline. Affected: yes. Observed: 1 variant allele.
Comment: TNS3: BP4, BP7